The following is an entry in ClinVar:

NM_002292.4(LAMB2):c.2701G>T (p.Gly901Trp)

Gene: LAMB2 (laminin subunit beta 2; minus strand). Cytogenetic location: 3p21.31.
Variant type: single nucleotide variant.
Coding change: c.2701G>T on transcript NM_002292.4 (MANE Select); coding-DNA position 2701, G replaced by T.
Protein change: p.Gly901Trp; replaces glycine 901 with tryptophan.
Molecular consequence: missense variant.
Genome position (GRCh38, 1-based): chr3:49,125,272, C>A on the plus strand (G>T on the coding strand, the complement: LAMB2 is on the minus strand). VCF-style: chr3-49125272-C-A. GRCh37 (hg19) VCF-style: chr3-49162705-C-A.
Other names: short protein forms G901W.
Identifiers: ClinVar variation 4793552 (VCV004793552.2).

ClinVar aggregate classification (germline): Uncertain significance. Review status: criteria provided, multiple submitters, no conflicts (2 of 4 stars). 2 submissions from 2 submitters: Uncertain significance (2). Last evaluated 2026-01-12.

Conditions:
Pierson syndrome. Also called: MICROCORIA-CONGENITAL NEPHROTIC SYNDROME. Identifiers: Orphanet 2670, MedGen C1836876, MONDO:0012184, OMIM 609049.
LAMB2-related infantile-onset nephrotic syndrome. Also called: NEPHROTIC SYNDROME, TYPE 5, WITHOUT OCULAR ABNORMALITIES; NEPHROTIC SYNDROME, TYPE 5, WITH OCULAR ABNORMALITIES; Nephrotic Syndrome, type 5. Identifiers: Orphanet 306507, MedGen C3280113, MONDO:0013621, OMIM 614199.

gnomAD v4.1: 15 of 1,613,798 alleles (0.00093%); highest among the groups gnomAD compares: Non-Finnish European, 0.0012%; no homozygotes.

Submissions (2):

Labcorp Genetics (formerly Invitae), Labcorp
Classification: Uncertain significance for LAMB2-related infantile-onset nephrotic syndrome; Pierson syndrome. Last evaluated: 2026-01-12. Review status: criteria provided, single submitter. Criteria: Invitae Variant Classification Sherloc (09022015). Collection method: clinical testing. Allele origin: germline.
Comment: This sequence change replaces glycine, which is neutral and non-polar, with tryptophan, which is neutral and slightly polar, at codon 901 of the LAMB2 protein (p.Gly901Trp). This variant is present in population databases (rs748018295, gnomAD 0.002%). This variant has not been reported in the literature in individuals affected with LAMB2-related conditions. An algorithm developed to predict the effect of missense changes on protein structure and function (PolyPhen-2) suggests that this variant is likely to be disruptive. In summary, the available evidence is currently insufficient to determine the role of this variant in disease. Therefore, it has been classified as a Variant of Uncertain Significance.

Blueprint Genetics
Classification: Uncertain significance. Last evaluated: 2024-05-07. Review status: criteria provided, single submitter. Criteria: ACMG Guidelines, 2015. Collection method: clinical testing. Allele origin: germline.